The following is an entry in ClinVar:

ClinVar aggregate classification (germline): Uncertain significance. Review status: criteria provided, multiple submitters, no conflicts (2 of 4 stars). 4 submissions from 4 submitters: Uncertain significance (4). Last evaluated 2025-07-16.

Conditions:
Hereditary factor VIII deficiency disease (HEMA). Also called: HEMOPHILIA, CLASSIC; Hemophilia A, congenital; HEM A; Factor 8 deficiency, congenital; Hemophilia A; AUTOSOMAL HEMOPHILIA A. Identifiers: Orphanet 98878, MedGen C0019069, MONDO:0010602, OMIM 306700.
Thrombophilia, X-linked, due to factor 8 defect. Also called: Thrombophilia 13, X-linked, due to factor VIII defect; THROMBOPHILIA, X-LINKED, DUE TO FACTOR VIII DEFECT. Identifiers: MedGen C5676879, MONDO:0859082, OMIM 301071.

Allele frequency attached by ClinVar (database versions not stated): ExAC 0.00002; gnomAD 0.00003 and 0.00005; gnomAD exomes 0.00004 and 0.00005; TOPMed 0.00007.

Submissions (4):

ARUP Laboratories, Molecular Genetics and Genomics, ARUP Laboratories
Classification: Uncertain significance. Last evaluated: 2025-07-16. Review status: criteria provided, single submitter. Criteria: ARUP Molecular Germline Variant Investigation Process 2024. Collection method: clinical testing. Allele origin: germline.
Comment: The F8 c.6374G>C; p.Ser2125Thr variant (rs782363141, ClinVar Variation ID: 804136), also known as p.Ser2106Thr, is reported in the literature in an individual affected with severe hemophilia A (Santacroce 2008). The variant has also been reported in an individual with hemophilia B; however, the individual also carried a variant in F9 that likely explains the phenotype (Johnsen 2017). This variant is found in the general population with an overall allele frequency of 0.005% (9/183299 alleles, including two hemizygotes) in the Genome Aggregation Database (v2.1.1). Computational analyses predict that this variant is deleterious (REVEL: 0.941). However, given the lack of clinical and functional data, the significance of the p.Ser2125Thr variant is uncertain at this time. References: Johnsen JM et al. Novel approach to genetic analysis and results in 3000 hemophilia patients enrolled in the My Life, Our Future initiative. Blood Adv. 2017 May 18;1(13):824-834. PMID: 29296726. Santacroce R et al. Identification of 217 unreported mutations in the F8 gene in a group of 1,410 unselected Italian patients with hemophilia A. J Hum Genet. 2008;53(3):275-84. PMID: 18217193.

CeGaT Center for Human Genetics Tuebingen
Classification: Uncertain significance. Last evaluated: 2022-10-01. Review status: criteria provided, single submitter. Criteria: CeGaT Center For Human Genetics Tuebingen Variant Classification Criteria Version 2. Collection method: clinical testing. Allele origin: germline. Affected: yes. Observed: 1 variant allele.

Fulgent Genetics
Classification: Uncertain significance for Thrombophilia, X-linked, due to factor 8 defect; Hereditary factor VIII deficiency disease. Last evaluated: 2022-02-16. Review status: criteria provided, single submitter. Criteria: ACMG Guidelines, 2015. Collection method: clinical testing. Allele origin: unknown.

Mendelics
Classification: Uncertain significance for Hereditary factor VIII deficiency disease. Last evaluated: 2019-05-28. Review status: criteria provided, single submitter. Criteria: Mendelics Assertion Criteria 2017. Collection method: clinical testing. Allele origin: unknown.

NM_000132.4(F8):c.6374G>C (p.Ser2125Thr)

Gene: F8 (coagulation factor VIII; minus strand). Cytogenetic location: Xq28.
Variant type: single nucleotide variant.
Coding change: c.6374G>C on transcript NM_000132.4 (MANE Select); coding-DNA position 6374, G replaced by C.
Protein change: p.Ser2125Thr; replaces serine 2125 with threonine.
Molecular consequence: missense variant.
Genome position (GRCh38, 1-based): chrX:154,896,132, C>G on the plus strand (G>C on the coding strand, the complement: F8 is on the minus strand). VCF-style: chrX-154896132-C-G. GRCh37 (hg19) VCF-style: chrX-154124407-C-G.
Other names: short protein forms S2125T.
Identifiers: ClinVar variation 804136 (VCV000804136.27), dbSNP rs782363141, ClinGen allele CA10567864.
Genomic context (GRCh38, chrX:154,896,132, plus strand): 5'-CATACCATTAAGGTTCCAGTGGAATTTCCTCGATAAGTCTGCCACTTCTTCCCATCAAGA[C>G]TATACATGATGATAAACTGAGAGATGTAGAGGCTGGAGAACTTCTGACGGGCACCCTGGG-3'
Protein context (NP_000123.1, residues 2115-2135): LYISQFIIMY[Ser2125Thr]LDGKKWQTYR